The following is an entry in ClinVar:

NM_001194998.2(CEP152):c.2137T>C (p.Leu713=)

Gene: CEP152 (centrosomal protein 152; minus strand). Cytogenetic location: 15q21.1.
Variant type: single nucleotide variant.
Coding change: c.2137T>C on transcript NM_001194998.2 (MANE Select); coding-DNA position 2137, T replaced by C.
Protein change: p.Leu713=; no amino-acid change (leucine 713 retained).
Molecular consequence: synonymous variant.
Genome position (GRCh38, 1-based): chr15:48,767,345, A>G on the plus strand (T>C on the coding strand, the complement: CEP152 is on the minus strand). VCF-style: chr15-48767345-A-G. GRCh37 (hg19) VCF-style: chr15-49059542-A-G.
Other names: c.2137T>C, p.Leu713= (NM_014985.4).
Identifiers: ClinVar variation 3697000 (VCV003697000.6).

ClinVar aggregate classification (germline): Likely benign. Review status: criteria provided, multiple submitters, no conflicts (2 of 4 stars). 2 submissions from 2 submitters: Likely benign (2). Last evaluated 2026-01-01.

gnomAD v4.1: 3 of 1,614,198 alleles (0.00019%); highest among the groups gnomAD compares: Admixed American, 0.0033%; no homozygotes.

Submissions (2):

CeGaT Center for Human Genetics Tuebingen
Classification: Likely benign. Last evaluated: 2026-01-01. Review status: criteria provided, single submitter. Criteria: CeGaT Center For Human Genetics Tuebingen Variant Classification Criteria Version 2. Collection method: clinical testing. Allele origin: germline. Affected: yes. Observed: 1 variant allele.
Comment: CEP152: BP4, BP7

Labcorp Genetics (formerly Invitae), Labcorp
Classification: Likely benign. Last evaluated: 2024-02-07. Review status: criteria provided, single submitter. Criteria: Invitae Variant Classification Sherloc (09022015). Collection method: clinical testing. Allele origin: germline.